The following is an entry in ClinVar:

NM_015512.5(DNAH1):c.1590C>T (p.His530=)

Gene: DNAH1 (dynein axonemal heavy chain 1; plus strand). Cytogenetic location: 3p21.1.
Variant type: single nucleotide variant.
Coding change: c.1590C>T on transcript NM_015512.5 (MANE Select); coding-DNA position 1590, C replaced by T.
Protein change: p.His530=; no amino-acid change (histidine 530 retained).
Molecular consequence: synonymous variant.
Genome position (GRCh38, 1-based): chr3:52,345,640, C>T. VCF-style: chr3-52345640-C-T. GRCh37 (hg19) VCF-style: chr3-52379656-C-T.
Identifiers: ClinVar variation 544647 (VCV000544647.36), dbSNP rs142935638, ClinGen allele CA2433004.

ClinVar aggregate classification (germline): Benign. Review status: criteria provided, multiple submitters, no conflicts (2 of 4 stars). 4 submissions from 4 submitters: Benign (4). Last evaluated 2026-01-21.

Conditions:
Spermatogenic failure 18. Identifiers: MedGen C4539783, MONDO:0054615, OMIM 617576.
Ciliary dyskinesia, primary, 37 (CILD37). Also called: CILIARY DYSKINESIA, PRIMARY, 37, WITH OR WITHOUT SITUS INVERSUS. Identifiers: MedGen C4539798, MONDO:0033204, OMIM 617577.

Allele frequency attached by ClinVar (database versions not stated): ESP Exome Variant Server 0.00064; gnomAD 0.00078 and 0.00123; TOPMed 0.00085; gnomAD exomes 0.00117 and 0.00222; 1000 Genomes Project 0.00280; ExAC 0.00338; 1000 Genomes Project 30x 0.00344.
gnomAD v4.1: 1,913 of 1,611,676 alleles (0.12%); highest among the groups gnomAD compares: South Asian, 1.2%; 27 homozygotes.

Submissions (4):

Labcorp Genetics (formerly Invitae), Labcorp
Classification: Benign for Ciliary dyskinesia, primary, 37; Spermatogenic failure 18. Last evaluated: 2026-01-21. Review status: criteria provided, single submitter. Criteria: Invitae Variant Classification Sherloc (09022015). Collection method: clinical testing. Allele origin: germline.

ARUP Laboratories, Molecular Genetics and Genomics, ARUP Laboratories
Classification: Benign. Last evaluated: 2024-05-07. Review status: criteria provided, single submitter. Criteria: ARUP Molecular Germline Variant Investigation Process 2024. Collection method: clinical testing. Allele origin: germline.

CeGaT Center for Human Genetics Tuebingen
Classification: Benign. Last evaluated: 2024-05-01. Review status: criteria provided, single submitter. Criteria: CeGaT Center For Human Genetics Tuebingen Variant Classification Criteria Version 2. Collection method: clinical testing. Allele origin: germline. Affected: yes. Observed: 3 variant alleles.
Comment: DNAH1: BP4, BP7, BS1, BS2

Breakthrough Genomics
Classification: Benign. Review status: criteria provided, single submitter. Criteria: ACMG Guidelines, 2015. Collection method: not provided. Allele origin: germline. Inheritance: Autosomal recessive inheritance. Affected: yes.